The following is an entry in ClinVar:

ClinVar aggregate classification (germline): Uncertain significance (1 of 4 stars; one submission).

Conditions:
Cardiovascular phenotype. Identifiers: MedGen CN230736.

Allele frequency attached by ClinVar (database versions not stated): TOPMed below 0.00001; gnomAD 0.00001.

Submission:

Ambry Genetics
Classification: Uncertain significance for Cardiovascular phenotype. Last evaluated: 2023-10-12. Review status: criteria provided, single submitter. Criteria: Ambry Variant Classification Scheme 2023. Collection method: clinical testing. Allele origin: germline.
Comment: The p.S871A variant (also known as c.2611T>G), located in coding exon 11 of the KCNH2 gene, results from a T to G substitution at nucleotide position 2611. The serine at codon 871 is replaced by alanine, an amino acid with similar properties. This amino acid position is highly conserved in available vertebrate species. In addition, this alteration is predicted to be deleterious by in silico analysis. Since supporting evidence is limited at this time, the clinical significance of this alteration remains unclear.

NM_000238.4(KCNH2):c.2611T>G (p.Ser871Ala)

Gene: KCNH2 (potassium voltage-gated channel subfamily H member 2; minus strand). Cytogenetic location: 7q36.1.
Variant type: single nucleotide variant.
Coding change: c.2611T>G on transcript NM_000238.4 (MANE Select); coding-DNA position 2611, T replaced by G.
Protein change: p.Ser871Ala; replaces serine 871 with alanine.
Molecular consequence: missense variant. On other transcripts: non-coding transcript variant (2).
Genome position (GRCh38, 1-based): chr7:150,948,525, A>C on the plus strand (T>G on the coding strand, the complement: KCNH2 is on the minus strand). VCF-style: chr7-150948525-A-C. GRCh37 (hg19) VCF-style: chr7-150645613-A-C.
Other names: c.2323T>G, p.Ser775Ala (NM_001406753.1); c.1591T>G, p.Ser531Ala (NM_172057.3); short protein forms S531A, S775A, S871A.
Identifiers: ClinVar variation 3230728 (VCV003230728.1), dbSNP rs986136917, ClinGen allele CA169073230.